The following is an entry in ClinVar:

NM_001372.4(DNAH9):c.3128A>T (p.His1043Leu)

Genes: DNAH9 (dynein axonemal heavy chain 9; plus strand), LOC126862505 (BRD4-independent group 4 enhancer GRCh37_chr17:11572478-11573677; plus strand). Cytogenetic location: 17p12.
Variant type: single nucleotide variant.
Coding change: c.3128A>T on transcript NM_001372.4 (MANE Select); coding-DNA position 3128, A replaced by T.
Protein change: p.His1043Leu; replaces histidine 1043 with leucine.
Molecular consequence: missense variant.
Genome position (GRCh38, 1-based): chr17:11,669,569, A>T. VCF-style: chr17-11669569-A-T. GRCh37 (hg19) VCF-style: chr17-11572886-A-T.
Other names: short protein forms H1043L.
Identifiers: ClinVar variation 1466639 (VCV001466639.6), dbSNP rs760204906, ClinGen allele CA398182670.

ClinVar aggregate classification (germline): Uncertain significance (1 of 4 stars; one submission).

gnomAD v4.1: 1 of 1,614,172 alleles (0.000062%); highest among the groups gnomAD compares: Admixed American, 0.0017%; no homozygotes.

Submission:

Labcorp Genetics (formerly Invitae), Labcorp
Classification: Uncertain significance. Last evaluated: 2024-07-01. Review status: criteria provided, single submitter. Criteria: Invitae Variant Classification Sherloc (09022015). Collection method: clinical testing. Allele origin: germline.
Comment: This sequence change replaces histidine, which is basic and polar, with leucine, which is neutral and non-polar, at codon 1043 of the DNAH9 protein (p.His1043Leu). This variant is present in population databases (no rsID available, gnomAD 0.003%). This variant has not been reported in the literature in individuals affected with DNAH9-related conditions. ClinVar contains an entry for this variant (Variation ID: 1466639). Advanced modeling of protein sequence and biophysical properties (such as structural, functional, and spatial information, amino acid conservation, physicochemical variation, residue mobility, and thermodynamic stability) performed at Invitae indicates that this missense variant is not expected to disrupt DNAH9 protein function with a negative predictive value of 80%. In summary, the available evidence is currently insufficient to determine the role of this variant in disease. Therefore, it has been classified as a Variant of Uncertain Significance.